The following is an entry in ClinVar:

ClinVar aggregate classification (germline): Uncertain significance (1 of 4 stars; one submission).

Conditions:
Benign neonatal seizures. Also called: Benign familial neonatal seizures; Convulsions benign familial neonatal dominant form; Autosomal dominant form of benign neonatal seizures; Benign neonatal familial convulsions; Benign familial neonatal epilepsy. Identifiers: Orphanet 1949, MedGen C0220669, MONDO:0016027.

Allele frequency attached by ClinVar (database versions not stated): gnomAD exomes below 0.00001.
gnomAD v4.1: 1 of 1,614,218 alleles (0.000062%); highest among the groups gnomAD compares: Non-Finnish European, 0.000085%; no homozygotes.

Submission:

Labcorp Genetics (formerly Invitae), Labcorp
Classification: Uncertain significance for Benign neonatal seizures. Last evaluated: 2024-03-26. Review status: criteria provided, single submitter. Criteria: Invitae Variant Classification Sherloc (09022015). Collection method: clinical testing. Allele origin: germline.
Comment: This sequence change replaces methionine, which is neutral and non-polar, with isoleucine, which is neutral and non-polar, at codon 296 of the KCNQ3 protein (p.Met296Ile). This variant is present in population databases (no rsID available, gnomAD 0.0009%). This variant has not been reported in the literature in individuals affected with KCNQ3-related conditions. Advanced modeling of protein sequence and biophysical properties (such as structural, functional, and spatial information, amino acid conservation, physicochemical variation, residue mobility, and thermodynamic stability) performed at Invitae indicates that this missense variant is not expected to disrupt KCNQ3 protein function with a negative predictive value of 95%. In summary, the available evidence is currently insufficient to determine the role of this variant in disease. Therefore, it has been classified as a Variant of Uncertain Significance.

NM_004519.4(KCNQ3):c.888G>A (p.Met296Ile)

Gene: KCNQ3 (potassium voltage-gated channel subfamily Q member 3; minus strand). Cytogenetic location: 8q24.22.
Variant type: single nucleotide variant.
Coding change: c.888G>A on transcript NM_004519.4 (MANE Select); coding-DNA position 888, G replaced by A.
Protein change: p.Met296Ile; replaces methionine 296 with isoleucine.
Molecular consequence: missense variant.
Genome position (GRCh38, 1-based): chr8:132,175,498, C>T on the plus strand (G>A on the coding strand, the complement: KCNQ3 is on the minus strand). VCF-style: chr8-132175498-C-T. GRCh37 (hg19) VCF-style: chr8-133187745-C-T.
Other names: c.528G>A, p.Met176Ile (NM_001204824.2); short protein forms M296I, M176I.
Identifiers: ClinVar variation 2786931 (VCV002786931.3), dbSNP rs1172039592, ClinGen allele CA372290394.